The following is an entry in ClinVar:

NM_001002295.2(GATA3):c.242-1G>C

Gene: GATA3 (GATA binding protein 3; plus strand). Cytogenetic location: 10p14.
Variant type: single nucleotide variant.
Coding change: c.242-1G>C on transcript NM_001002295.2 (MANE Select); the canonical splice acceptor site of the intron before coding-DNA position 242, G replaced by C.
Molecular consequence: splice acceptor variant.
Genome position (GRCh38, 1-based): chr10:8,058,304, G>C. VCF-style: chr10-8058304-G-C. GRCh37 (hg19) VCF-style: chr10-8100267-G-C.
Other names: c.242-1G>C (NM_002051.3).
Identifiers: ClinVar variation 426453 (VCV000426453.2), dbSNP rs1085307633, ClinGen allele CA375966808.

ClinVar aggregate classification (germline): Likely pathogenic (1 of 4 stars; one submission).

Submission:

GeneDx
Classification: Likely pathogenic. Last evaluated: 2017-04-16. Review status: criteria provided, single submitter. Criteria: GeneDx Variant Classification (06012015). Collection method: clinical testing. Allele origin: germline. Affected: yes.
Comment: The c.242-1G>C variant in the GATA3 gene has not been reported previously as a pathogenic variant nor as a benign variant, to our knowledge. This splice site variant destroys the canonical splice acceptor site in intron 2, which is predicted to cause abnormal gene splicing. The c.242-1G>C variant is not observed in large population cohorts (Lek et al., 2016; 1000 Genomes Consortium et al., 2015; Exome Variant Server). We interpret c.242-1G>C as a likely pathogenic variant.